The following is an entry in ClinVar:

NM_001378418.1(TCF20):c.1964dup (p.Glu656fs)

Gene: TCF20 (transcription factor 20; minus strand). Cytogenetic location: 22q13.2.
Variant type: Duplication.
Coding change: c.1964dup on transcript NM_001378418.1 (MANE Select); coding-DNA position 1964, one base duplicated (C; older notation c.1964dupC).
Protein change: p.Glu656fs; shifts the reading frame from glutamic acid 656.
Molecular consequence: frameshift variant.
Genome position (GRCh38, 1-based): chr22:42,213,342, G duplicated on the plus strand (C on the coding strand, the reverse complement: TCF20 is on the minus strand); the first of 2 consecutive G bases (chr22:42,213,342-42,213,343); duplicating either gives the same sequence. VCF-style (leftmost placement, unchanged base first): chr22-42213341-T-TG. GRCh37 (hg19) VCF-style: chr22-42609347-T-TG.
Other names: c.1964dup, p.Glu656fs (NM_005650.4, NM_181492.3); short protein forms E656fs.
Identifiers: ClinVar variation 4852235 (VCV004852235.1).
Genomic context (GRCh38, chr22:42,213,341, plus strand): 5'-ATGGTTGGAGTTGTTATCGCCATTCTTGTTTCCTTTGCTCCCTCCTCCTCCTGGAGGCTC[T>TG]GGCTGGGGAAGTGATGCATGACTGGTTTCCTTTGCCCCACCATTGCTAGGTGGCCTTTGA-3'

ClinVar aggregate classification (germline): Likely pathogenic (1 of 4 stars; one submission).

Conditions:
Developmental delay with variable intellectual impairment and behavioral abnormalities. Identifiers: MedGen C5193092, MONDO:0032745, OMIM 618430.

Submission:

Variantyx, Inc.
Classification: Likely pathogenic for Developmental delay with variable intellectual impairment and behavioral abnormalities. Last evaluated: 2025-08-27. Review status: criteria provided, single submitter. Criteria: Variantyx Assertion Criteria 2022. Collection method: clinical testing. Allele origin: de novo. Inheritance: Autosomal dominant inheritance. Affected: yes.
Comment: This is a frameshift variant in the TCF20 gene (OMIM: 603107). Pathogenic variants in this gene have been associated with autosomal dominant developmental delay with variable intellectual impairment and behavioral abnormalities. This variant introduces a premature termination codon in exon 2 out of 6 and is expected to result in loss of function, which is a known disease mechanism for TCF20 in this disorder (PMID: 27436265) (PVS1). This variant is absent from control populations (PM2), and it has not been reported in individuals with TCF20-related disorders in the databases available for review. Based on the current evidence, this variant is classified as likely pathogenic for autosomal dominant developmental delay with variable intellectual impairment and behavioral abnormalities.

Literature cited by the submitters: PubMed 27436265.